The following is an entry in ClinVar:

NM_000311.5(PRNP):c.478C>T (p.Gln160Ter)

Gene: PRNP (prion protein (Kanno blood group); plus strand). Cytogenetic location: 20p13.
Variant type: single nucleotide variant.
Coding change: c.478C>T on transcript NM_000311.5 (MANE Select); coding-DNA position 478, C replaced by T.
Protein change: p.Gln160Ter; replaces glutamine 160 with a stop codon.
Molecular consequence: nonsense. On other transcripts: 3 prime UTR variant (1).
Genome position (GRCh38, 1-based): chr20:4,699,698, C>T. VCF-style: chr20-4699698-C-T. GRCh37 (hg19) VCF-style: chr20-4680344-C-T.
Other names: c.478C>T, p.Gln160Ter (NM_001080121.3, NM_001080122.3, NM_001080123.3 and 1 more transcripts); c.*167C>T (NM_001271561.3); short protein forms Q160*.
Identifiers: ClinVar variation 21148 (VCV000021148.5), dbSNP rs80356711, ClinGen allele CA145405.
Genomic context (GRCh38, chr20:4,699,698, plus strand): 5'-CATTTCGGCAGTGACTATGAGGACCGTTACTATCGTGAAAACATGCACCGTTACCCCAAC[C>T]AAGTGTACTACAGGCCCATGGATGAGTACAGCAACCAGAACAACTTTGTGCACGACTGCG-3'

ClinVar aggregate classification (germline): Pathogenic. Review status: criteria provided, single submitter (1 of 4 stars). 2 submissions from 2 submitters: Pathogenic (1). 1 of the submissions does not count toward it. Last evaluated 2023-11-24.

Conditions:
CEREBRAL AMYLOID ANGIOPATHY, PRNP-RELATED. Identifiers: MedGen C3805618, OMIM 137440.
Huntington disease-like 1 (HDL1). Also called: HUNTINGTON-LIKE NEURODEGENERATIVE DISORDER 1; HUNTINGTON-LIKE NEURODEGENERATIVE DISORDER, AUTOSOMAL DOMINANT; PRION DISEASE, EARLY-ONSET, WITH PROMINENT PSYCHIATRIC FEATURES. Identifiers: Orphanet 157941, MedGen C1864112, MONDO:0011299, OMIM 603218.

Submissions (2):

Labcorp Genetics (formerly Invitae), Labcorp
Classification: Pathogenic for Huntington disease-like 1. Last evaluated: 2023-11-24. Review status: criteria provided, single submitter. Criteria: Invitae Variant Classification Sherloc (09022015). Collection method: clinical testing. Allele origin: germline.
Comment: This sequence change creates a premature translational stop signal (p.Gln160*) in the PRNP gene. While this is not anticipated to result in nonsense mediated decay, it is expected to disrupt the last 94 amino acid(s) of the PRNP protein. This variant is not present in population databases (gnomAD no frequency). This premature translational stop signal has been observed in individuals with clinical features of PRNP-related conditions (PMID: 10631141, 21416485, 24958194, 27716661). It has also been observed to segregate with disease in related individuals. ClinVar contains an entry for this variant (Variation ID: 21148). For these reasons, this variant has been classified as Pathogenic.

OMIM
Classification: Pathogenic for CEREBRAL AMYLOID ANGIOPATHY, PRNP-RELATED. Last evaluated: 2011-04-01. Review status: no assertion criteria provided. Collection method: literature only. Allele origin: germline. Not counted in ClinVar's aggregate classification.

Literature cited by the submitters: PubMed 10631141 (cited by Labcorp Genetics (formerly Invitae), Labcorp); PubMed 21416485 (cited by Labcorp Genetics (formerly Invitae), Labcorp and OMIM); PubMed 24958194 (cited by Labcorp Genetics (formerly Invitae), Labcorp); PubMed 27716661 (cited by Labcorp Genetics (formerly Invitae), Labcorp).